The following is an entry in ClinVar:

ClinVar aggregate classification (germline): Likely benign. Review status: criteria provided, multiple submitters, no conflicts (2 of 4 stars). 2 submissions from 2 submitters: Likely benign (2). Last evaluated 2023-09-17.

Conditions:
Hereditary cancer-predisposing syndrome. Also called: Neoplastic Syndromes, Hereditary; Hereditary neoplastic syndrome; Hereditary Cancer Syndrome; Tumor predisposition. Identifiers: Orphanet 140162, MedGen C0027672, MeSH D009386, MONDO:0015356.
Hereditary breast ovarian cancer syndrome. Also called: Hereditary breast and ovarian cancer syndrome; Breast and ovarian cancer; Hereditary breast and ovarian cancer syndrome (HBOC); Hereditary breast and/or ovarian cancer syndrome; BRCA1- and BRCA2-Associated Hereditary Breast and Ovarian Cancer; Hereditary breast and ovarian cancer. Identifiers: Orphanet 145, MedGen C0677776, MeSH D061325, MONDO:0003582. Disease mechanism: loss of function.

Submissions (3):

Labcorp Genetics (formerly Invitae), Labcorp
Classification: Likely benign for Hereditary breast ovarian cancer syndrome. Last evaluated: 2023-09-17. Review status: criteria provided, single submitter. Criteria: Invitae Variant Classification Sherloc (09022015). Collection method: clinical testing. Allele origin: germline.

Color Diagnostics, LLC DBA Color Health
Classification: Likely benign for Hereditary cancer-predisposing syndrome. Last evaluated: 2019-11-07. Review status: criteria provided, single submitter. Criteria: ACMG Guidelines, 2015. Collection method: clinical testing. Allele origin: germline.

Brotman Baty Institute, University of Washington
No classification provided (evidence only). Condition: Breast-ovarian cancer, familial 1. Review status: no classification provided. Collection method: in vitro. Allele origin: not applicable. Functional consequence: functionally_normal. Not counted in ClinVar's aggregate classification.
ClinVar note: "not provided" was previously submitted as the classification for the variant. However, the classification appeared to be based only on an observation of functional data so it was converted to no classification on 2025-07-30.

NM_007294.4(BRCA1):c.4917G>A (p.Leu1639=)

Gene: BRCA1 (BRCA1 DNA repair associated; minus strand). Cytogenetic location: 17q21.31.
Variant type: single nucleotide variant.
Coding change: c.4917G>A on transcript NM_007294.4 (MANE Select); coding-DNA position 4917, G replaced by A.
Protein change: p.Leu1639=; no amino-acid change (leucine 1639 retained).
Molecular consequence: synonymous variant. On other transcripts: intron variant (1).
Genome position (GRCh38, 1-based): chr17:43,070,997, C>T on the plus strand (G>A on the coding strand, the complement: BRCA1 is on the minus strand). VCF-style: chr17-43070997-C-T. GRCh37 (hg19) VCF-style: chr17-41223014-C-T.
Other names: c.4914G>A, p.Leu1638= (NM_001407611.1, NM_001407612.1, NM_001407613.1 and 17 more transcripts); c.4911G>A, p.Leu1637= (NM_001407627.1, NM_001407628.1, NM_001407629.1 and 14 more transcripts); c.4908G>A, p.Leu1636= (NM_001407644.1, NM_001407645.1); c.4905G>A, p.Leu1635= (NM_001407646.1); c.4902G>A, p.Leu1634= (NM_001407647.1); c.4860G>A, p.Leu1620= (NM_001407648.1); c.4857G>A, p.Leu1619= (NM_001407649.1); c.4917G>A, p.Leu1639= (NM_001407652.1, NM_001407684.1, NM_001407854.1 and 8 more transcripts); and 71 more.
Identifiers: ClinVar variation 415553 (VCV000415553.17), dbSNP rs1060504558, ClinGen allele CA16615754.
Genomic context (GRCh38, chr17:43,070,997, plus strand): 5'-TGGGGTCAGGCCAGACACCACCATGGACATTCTTTTGTTGACCCTTTCTGTTGAAGCTGT[C>T]AATTCTGGCTTCTCCCTGCTCACACTTTCTTCCATTGCATTATACCCAGCAGTATCAGTA-3'
Protein context (NP_009225.1, residues 1629-1649): EESVSREKPE[Leu1639=]TASTERVNKR